The following is an entry in ClinVar:

ClinVar aggregate classification (germline): Likely benign. Review status: criteria provided, single submitter (1 of 4 stars). 2 submissions from 2 submitters: Likely benign (1). 1 of the submissions does not count toward it. Last evaluated 2025-11-01.

Conditions:
KPNA7-related disorder. Also called: KPNA7-related condition.

Allele frequency attached by ClinVar (database versions not stated): TOPMed 0.00015; gnomAD 0.00009 and 0.00010; gnomAD exomes 0.00013 and 0.00012; ESP Exome Variant Server 0.00044; ExAC 0.00018.
gnomAD v4.1: 186 of 1,551,986 alleles (0.012%); highest among the groups gnomAD compares: Non-Finnish European, 0.014%; 1 homozygote.

Submissions (2):

Labcorp Genetics (formerly Invitae), Labcorp
Classification: Likely benign. Last evaluated: 2025-11-01. Review status: criteria provided, single submitter. Criteria: Invitae Variant Classification Sherloc (09022015). Collection method: clinical testing. Allele origin: germline.

PreventionGenetics, part of Exact Sciences
Classification: Likely benign for KPNA7-related condition. Last evaluated: 2019-09-13. Review status: no assertion criteria provided. Collection method: clinical testing. Allele origin: germline. Not counted in ClinVar's aggregate classification.
Comment: This variant is classified as likely benign based on ACMG/AMP sequence variant interpretation guidelines (Richards et al. 2015 PMID: 25741868, with internal and published modifications).

NM_001145715.3(KPNA7):c.1101C>T (p.Asp367=)

Gene: KPNA7 (karyopherin subunit alpha 7; minus strand). Cytogenetic location: 7q22.1.
Variant type: single nucleotide variant.
Coding change: c.1101C>T on transcript NM_001145715.3 (MANE Select); coding-DNA position 1101, C replaced by T.
Protein change: p.Asp367=; no amino-acid change (aspartic acid 367 retained).
Molecular consequence: synonymous variant.
Genome position (GRCh38, 1-based): chr7:99,184,962, G>A on the plus strand (C>T on the coding strand, the complement: KPNA7 is on the minus strand). VCF-style: chr7-99184962-G-A. GRCh37 (hg19) VCF-style: chr7-98782585-G-A.
Other names: c.1101C>T (NM_001145715.2).
Identifiers: ClinVar variation 696603 (VCV000696603.13), dbSNP rs371485396, ClinGen allele CA4363144.